The following is an entry in ClinVar:

NM_024408.4(NOTCH2):c.3036G>C (p.Leu1012Phe)

Gene: NOTCH2 (notch receptor 2; minus strand). Cytogenetic location: 1p12.
Variant type: single nucleotide variant.
Coding change: c.3036G>C on transcript NM_024408.4 (MANE Select); coding-DNA position 3036, G replaced by C.
Protein change: p.Leu1012Phe; replaces leucine 1012 with phenylalanine.
Molecular consequence: missense variant.
Genome position (GRCh38, 1-based): chr1:119,940,702, C>G on the plus strand (G>C on the coding strand, the complement: NOTCH2 is on the minus strand). VCF-style: chr1-119940702-C-G. GRCh37 (hg19) VCF-style: chr1-120483325-C-G.
Other names: c.3036G>C, p.Leu1012Phe (NM_001200001.2); short protein forms L1012F.
Identifiers: ClinVar variation 497351 (VCV000497351.6), dbSNP rs1553196348, ClinGen allele CA341854894.

ClinVar aggregate classification (germline): Uncertain significance. Review status: criteria provided, multiple submitters, no conflicts (2 of 4 stars). 2 submissions from 2 submitters: Uncertain significance (2). Last evaluated 2026-01-23.

Conditions:
Hajdu-Cheney syndrome (HJCYS). Also called: ACROOSTEOLYSIS WITH OSTEOPOROSIS AND CHANGES IN SKULL AND MANDIBLE; Acroosteolysis dominant type; SERPENTINE FIBULA-POLYCYSTIC KIDNEY SYNDROME. Identifiers: Orphanet 955, MedGen C0917715, MONDO:0007057, OMIM 102500.

gnomAD v4.1: 1 of 1,614,160 alleles (0.000062%); highest among the groups gnomAD compares: Admixed American, 0.0017%; no homozygotes.

Submissions (2):

Labcorp Genetics (formerly Invitae), Labcorp
Classification: Uncertain significance for Hajdu-Cheney syndrome. Last evaluated: 2026-01-23. Review status: criteria provided, single submitter. Criteria: Invitae Variant Classification Sherloc (09022015). Collection method: clinical testing. Allele origin: germline.
Comment: This sequence change replaces leucine, which is neutral and non-polar, with phenylalanine, which is neutral and non-polar, at codon 1012 of the NOTCH2 protein (p.Leu1012Phe). This variant is not present in population databases (gnomAD no frequency). This variant has not been reported in the literature in individuals affected with NOTCH2-related conditions. ClinVar contains an entry for this variant (Variation ID: 497351). Invitae Evidence Modeling of protein sequence and biophysical properties (such as structural, functional, and spatial information, amino acid conservation, physicochemical variation, residue mobility, and thermodynamic stability) indicates that this missense variant is not expected to disrupt NOTCH2 protein function with a negative predictive value of 80%. In summary, the available evidence is currently insufficient to determine the role of this variant in disease. Therefore, it has been classified as a Variant of Uncertain Significance.

Eurofins Ntd Llc (ga)
Classification: Uncertain significance. Last evaluated: 2016-09-30. Review status: criteria provided, single submitter. Criteria: EGL Classification Definitions 2015. Collection method: clinical testing. Allele origin: germline. Observed: 1 variant allele, 1 heterozygote.